The following is an entry in ClinVar:

NM_013382.7(POMT2):c.1460C>T (p.Ser487Phe)

Gene: POMT2 (protein O-mannosyltransferase 2; minus strand). Cytogenetic location: 14q24.3.
Variant type: single nucleotide variant.
Coding change: c.1460C>T on transcript NM_013382.7 (MANE Select); coding-DNA position 1460, C replaced by T.
Protein change: p.Ser487Phe; replaces serine 487 with phenylalanine.
Molecular consequence: missense variant.
Genome position (GRCh38, 1-based): chr14:77,285,505, G>A on the plus strand (C>T on the coding strand, the complement: POMT2 is on the minus strand). VCF-style: chr14-77285505-G-A. GRCh37 (hg19) VCF-style: chr14-77751848-G-A.
Other names: short protein forms S487F.
Identifiers: ClinVar variation 3896959 (VCV003896959.1).

ClinVar aggregate classification (germline): Uncertain significance (1 of 4 stars; one submission).

Conditions:
Muscular dystrophy-dystroglycanopathy (congenital with impaired intellectual development), type B, 2. Also called: MUSCULAR DYSTROPHY, CONGENITAL, POMT2-RELATED; Muscular dystrophy-dystroglycanopathy (congenital with intellectual disability), type B2. Identifiers: MedGen C3150416, MONDO:0013160, OMIM 613156.
Autosomal recessive limb-girdle muscular dystrophy type 2N. Also called: MUSCULAR DYSTROPHY-DYSTROGLYCANOPATHY, LIMB-GIRDLE, POMT2-RELATED; Muscular dystrophy-dystroglycanopathy (limb-girdle), type C, 2. Identifiers: Orphanet 206559, MedGen C3150418, MONDO:0013162, OMIM 613158.
Muscular dystrophy-dystroglycanopathy (congenital with brain and eye anomalies), type A2. Also called: MUSCULAR DYSTROPHY-DYSTROGLYCANOPATHY (CONGENITAL WITH BRAIN AND EYE ANOMALIES), TYPE A, 2; WALKER-WARBURG SYNDROME OR MUSCLE-EYE-BRAIN DISEASE, POMT2-RELATED. Identifiers: Orphanet 588, Orphanet 899, MedGen C3150411, MONDO:0013154, OMIM 613150.

gnomAD v4.1: 1 of 1,614,108 alleles (0.000062%); highest among the groups gnomAD compares: Non-Finnish European, 0.000085%; no homozygotes.

Submission:

Kariminejad - Najmabadi Pathology & Genetics Center
Classification: Uncertain significance for Muscular dystrophy-dystroglycanopathy (congenital with brain and eye anomalies), type A2; Muscular dystrophy-dystroglycanopathy (congenital with impaired intellectual development), type B, 2; Autosomal recessive limb-girdle muscular dystrophy type 2N. Last evaluated: 2023-05-14. Review status: criteria provided, single submitter. Criteria: ACMG Guidelines, 2015. Collection method: clinical testing. Allele origin: germline. Inheritance: Autosomal recessive inheritance. Affected: yes.
Comment: PP3,PM2